The following is an entry in ClinVar:

ClinVar aggregate classification (germline): Conflicting classifications of pathogenicity. Review status: criteria provided, conflicting classifications (1 of 4 stars). 9 submissions from 9 submitters: Uncertain significance (1); Benign (2); Likely benign (4). 2 of the submissions do not count toward it. Last evaluated 2026-02-04.

Conditions:
LOXHD1-related disorder. Also called: LOXHD1-related condition.
Autosomal recessive nonsyndromic hearing loss 77. Identifiers: Orphanet 90636, MedGen C2746083, MONDO:0013119, OMIM 613079.

Allele frequency attached by ClinVar (database versions not stated): 1000 Genomes Project 0.00040; 1000 Genomes Project 30x 0.00047; gnomAD 0.00068 and 0.00071; TOPMed 0.00089; gnomAD exomes 0.00103; ExAC 0.00107; ESP Exome Variant Server 0.00110.
gnomAD v4.1: 834 of 1,551,510 alleles (0.054%); highest among the groups gnomAD compares: Middle Eastern, 0.15%; no homozygotes.

Submissions (9):

Labcorp Genetics (formerly Invitae), Labcorp
Classification: Likely benign. Last evaluated: 2026-02-04. Review status: criteria provided, single submitter. Criteria: Invitae Variant Classification Sherloc (09022015). Collection method: clinical testing. Allele origin: germline.

Blueprint Genetics
Classification: Likely benign. Last evaluated: 2024-11-26. Review status: criteria provided, single submitter. Criteria: ACMG Guidelines, 2015. Collection method: clinical testing. Allele origin: germline.

Mayo Clinic Laboratories, Mayo Clinic
Classification: Benign. Last evaluated: 2024-11-26. Review status: criteria provided, single submitter. Criteria: ACMG Guidelines, 2015. Collection method: clinical testing. Allele origin: germline. Observed: 1 variant allele.
Comment: BA1, BP4, BP7

GeneDx
Classification: Likely benign. Last evaluated: 2018-01-24. Review status: criteria provided, single submitter. Criteria: GeneDx Variant Classification (06012015). Collection method: clinical testing. Allele origin: germline. Affected: yes.
Comment: This variant is considered likely benign or benign based on one or more of the following criteria: it is a conservative change, it occurs at a poorly conserved position in the protein, it is predicted to be benign by multiple in silico algorithms, and/or has population frequency not consistent with disease.

Illumina Laboratory Services, Illumina
Classification: Uncertain significance for Autosomal recessive nonsyndromic hearing loss 77. Last evaluated: 2018-01-12. Review status: criteria provided, single submitter. Criteria: ICSL Variant Classification Criteria 13 December 2019. Collection method: clinical testing. Allele origin: germline.

Eurofins Ntd Llc (ga)
Classification: Benign. Last evaluated: 2017-03-30. Review status: criteria provided, single submitter. Criteria: EGL Classification Definitions 2015. Collection method: clinical testing. Allele origin: germline. Observed: 1 variant allele, 1 heterozygote.

Laboratory for Molecular Medicine, Mass General Brigham Personalized Medicine
Classification: Likely benign. Last evaluated: 2015-04-30. Review status: criteria provided, single submitter. Criteria: LMM Criteria. Collection method: clinical testing. Allele origin: germline. Observed: 6 variant alleles.
Comment: Asp605Asp in Exon 14 of LOXHD1: This variant is not expected to have clinical si gnificance because it does not alter an amino acid residue, is not located withi n the splice consensus sequence, and has been identified in 0.2% (4/8624) of Eur opean chromosomes by the Exome Aggregation Consortium (ExAC; dbSNP rs201388780).

PreventionGenetics, part of Exact Sciences
Classification: Benign for LOXHD1-related condition. Last evaluated: 2024-08-19. Review status: no assertion criteria provided. Collection method: clinical testing. Allele origin: germline. Not counted in ClinVar's aggregate classification.
Comment: This variant is classified as benign based on ACMG/AMP sequence variant interpretation guidelines (Richards et al. 2015 PMID: 25741868, with internal and published modifications).

Natera, Inc.
Classification: Likely benign for Autosomal recessive deafness type 77. Last evaluated: 2020-09-16. Review status: no assertion criteria provided. Collection method: clinical testing. Allele origin: germline. Not counted in ClinVar's aggregate classification.

NM_001384474.1(LOXHD1):c.1815C>T (p.Asp605=)

Gene: LOXHD1 (lipoxygenase homology PLAT domains 1; minus strand). Cytogenetic location: 18q21.1.
Variant type: single nucleotide variant.
Coding change: c.1815C>T on transcript NM_001384474.1 (MANE Select); coding-DNA position 1815, C replaced by T.
Protein change: p.Asp605=; no amino-acid change (aspartic acid 605 retained).
Molecular consequence: synonymous variant.
Genome position (GRCh38, 1-based): chr18:46,577,862, G>A on the plus strand (C>T on the coding strand, the complement: LOXHD1 is on the minus strand). VCF-style: chr18-46577862-G-A. GRCh37 (hg19) VCF-style: chr18-44157825-G-A.
Other names: p.Asp605=; c.1815C>T, p.Asp605= (NM_144612.7).
Identifiers: ClinVar variation 178402 (VCV000178402.27), dbSNP rs201388780, ClinGen allele CA182258.